The following is an entry in ClinVar:

ClinVar aggregate classification (germline): Pathogenic (1 of 4 stars; one submission).

Conditions:
Cohen syndrome (COH1). Also called: Cutis verticis gyrata, retinitis pigmentosa, and sensorineural deafness; PEPPER SYNDROME. Identifiers: Orphanet 193, MedGen C0265223, MONDO:0008999, OMIM 216550.

Submission:

Labcorp Genetics (formerly Invitae), Labcorp
Classification: Pathogenic for Cohen syndrome. Last evaluated: 2024-03-09. Review status: criteria provided, single submitter. Criteria: Invitae Variant Classification Sherloc (09022015). Collection method: clinical testing. Allele origin: germline.
Comment: This sequence change creates a premature translational stop signal (p.Asn672Argfs*7) in the VPS13B gene. It is expected to result in an absent or disrupted protein product. Loss-of-function variants in VPS13B are known to be pathogenic (PMID: 15141358, 16648375, 20461111). This variant is not present in population databases (gnomAD no frequency). This variant has not been reported in the literature in individuals affected with VPS13B-related conditions. ClinVar contains an entry for this variant (Variation ID: 2126022). For these reasons, this variant has been classified as Pathogenic.

Literature cited by the submitters: PubMed 15141358; PubMed 16648375; PubMed 20461111.

NM_152564.5(VPS13B):c.2012_2013dup (p.Asn672fs)

Gene: VPS13B (vacuolar protein sorting 13 homolog B; plus strand). Cytogenetic location: 8q22.2.
Variant type: Duplication.
Coding change: c.2012_2013dup on transcript NM_152564.5 (MANE Select); coding-DNA positions 2012 to 2013, 2 bases duplicated (AG; older notation c.2012_2013dupAG).
Protein change: p.Asn672fs; shifts the reading frame from asparagine 672.
Molecular consequence: frameshift variant.
Genome position (GRCh38, 1-based): chr8:99,148,009-99,148,010, AG duplicated. VCF-style (leftmost placement, unchanged base first): chr8-99148008-A-AAG. GRCh37 (hg19) VCF-style: chr8-100160236-A-AAG.
Other names: c.2012_2013dup, p.Asn672fs (NM_015243.3, NM_017890.5); short protein forms N672fs.
Identifiers: ClinVar variation 2126022 (VCV002126022.4), dbSNP rs2488803969, ClinGen allele CA2580079122.